The following is an entry in ClinVar:

NM_000142.5(FGFR3):c.1118A>G (p.Tyr373Cys)

Gene: FGFR3 (fibroblast growth factor receptor 3; plus strand). Cytogenetic location: 4p16.3.
Variant type: single nucleotide variant.
Coding change: c.1118A>G on transcript NM_000142.5 (MANE Select); coding-DNA position 1118, A replaced by G.
Protein change: p.Tyr373Cys; replaces tyrosine 373 with cysteine.
Molecular consequence: missense variant. On other transcripts: non-coding transcript variant (1), intron variant (1).
Genome position (GRCh38, 1-based): chr4:1,804,372, A>G. VCF-style: chr4-1804372-A-G. GRCh37 (hg19) VCF-style: chr4-1806099-A-G.
Other names: c.1124A>G, p.Tyr375Cys (NM_001163213.2); c.1118A>G, p.Tyr373Cys (NM_001354809.2, NM_001354810.2); c.931-452A>G (NM_022965.4); c.1124A>G (NM_001163213.1); short protein forms Y373C, Y375C.
Identifiers: ClinVar variation 16342 (VCV000016342.91), dbSNP rs121913485, ClinGen allele CA341413.

ClinVar aggregate classification (germline): Pathogenic. Review status: criteria provided, multiple submitters, no conflicts (2 of 4 stars). 26 submissions from 26 submitters: Pathogenic (22). 4 of the submissions do not count toward it. Last evaluated 2026-06-23.
ClinVar aggregate classification (oncogenicity): Oncogenic (1 of 4 stars; one submission).

Conditions:
FGFR3-related chondrodysplasia. Identifiers: Orphanet 93420, MedGen C5681604, MONDO:0019685.
FGFR3-related disorder. Also called: FGFR3-related disorders.
Achondroplasia (ACH). Also called: Achondroplastic dwarfism. Identifiers: Orphanet 15, MedGen C0001080, MONDO:0007037, OMIM 100800. Disease mechanism: gain of function.
Thanatophoric dysplasia type 1 (TD1). Also called: PLATYSPONDYLIC LETHAL SKELETAL DYSPLASIA, SAN DIEGO TYPE; Thanatophoric Dysplasia Type 1 (TD Type 1); LETHAL SHORT-LIMBED PLATYSPONDYLIC DWARFISM, SAN DIEGO TYPE. Identifiers: Orphanet 1860, Orphanet 2655, MedGen C1868678, MONDO:0008546, OMIM 187600. Disease mechanism: gain of function.
Neoplasm. Also called: Neoplasms; Neoplasm (disease); tumor. Identifiers: MedGen C0027651, MeSH D009369, MONDO:0005070, HP:0002664.

Submissions 1 to 9 of 27:

Genomenon, Inc
Classification: Pathogenic for FGFR3-related chondrodysplasia. Last evaluated: 2026-06-23. Review status: criteria provided, single submitter. Criteria: Genomenon Sequence Variant Interpretation Standards - Updated. Collection method: curation. Allele origin: germline. Affected: yes.
Comment: FGFR3 p.Tyr373Cys (c.1118A>G) is a missense variant that changes the amino acid at codon 373 from Tyrosine to Cysteine. This variant has been observed in multiple probands affected thanatophoric dysplasia (PMID:30692697;29593476;28249712;8845844;9677066;9843049;24476948). A de novo occurrence of this variant has been observed in at least one affected individual (PMID:24476948;30692697). At least one functional study has demonstrated a substantial alteration in protein function relative to the wild-type (PMID:9438390;25606676). This variant is located in a mutational hotspot and/or important functional domain. It is absent or not present at a significant frequency in gnomAD. In silico models predict that this variant is possibly or probably damaging. In conclusion, we classify FGFR3 p.Tyr373Cys (c.1118A>G) as a pathogenic variant.

PreventionGenetics, part of Exact Sciences
Classification: Pathogenic for FGFR3-related condition. Last evaluated: 2026-05-28. Review status: criteria provided, single submitter. Criteria: ACMG Guidelines, 2015. Collection method: clinical testing. Allele origin: germline.
Comment: The FGFR3 c.1118A>G variant is predicted to result in the amino acid substitution p.Tyr373Cys. This variant has been reported to be one of the most common pathogenic variants for thanatophoric dysplasia (Rousseau et al. 1996. PubMed ID: 8845844; Brodie et al. 1999. PubMed ID: 10360402; Xue et al. 2014. PubMed ID: 25614871). Functional studies also support its pathogenicity (Foldynova-Trantirkova et al. 2012. PubMed ID: 22045636; Di Rocco et al. 2014. PubMed ID: 24419316). This variant has not been reported in a large population database, indicating this variant is rare. This variant is interpreted as pathogenic.

CeGaT Center for Human Genetics Tuebingen
Classification: Pathogenic. Last evaluated: 2026-03-01. Review status: criteria provided, single submitter. Criteria: CeGaT Center For Human Genetics Tuebingen Variant Classification Criteria Version 2. Collection method: clinical testing. Allele origin: germline. Affected: yes. Observed: 3 variant alleles.
Comment: FGFR3: PS2:Very Strong, PS4, PM2, PS3:Supporting

Center for Genomic Medicine, Rigshospitalet, Copenhagen University Hospital
Classification: Oncogenic for Neoplasm. Last evaluated: 2025-12-29. Review status: criteria provided, single submitter. Criteria: ClinGen/CGC/VICC Guidelines for Oncogenicity, 2022. Collection method: clinical testing. Allele origin: somatic. Affected: yes.

3billion
Classification: Pathogenic for FGFR3-related disorder. Last evaluated: 2025-11-11. Review status: criteria provided, single submitter. Criteria: ACMG Guidelines, 2015. Collection method: clinical testing. Allele origin: germline. Affected: yes.
Comment: The variant is not observed in the gnomAD v4.1.0 dataset. Predicted Consequence/Location: Missense variant. Missense changes are a common disease-causing mechanism. In silico tool predictions suggest damaging effect of the variant on gene or gene product [REVEL: 0.80 (>=0.6, sensitivity 0.68 and specificity 0.92); 3Cnet: 0.99 (> 0.75, sensitivity 0.96 and precision 0.92)]. The same nucleotide change resulting in the same amino acid change has been previously reported as pathogenic/likely pathogenic with strong evidence (ClinVar ID: VCV000016342 /PMID: 8845844 /3billion dataset). The variant has been observed in multiple (>3) similarly affected unrelated individuals (PMID: 25614871). Therefore, this variant is classified as Pathogenic according to the recommendation of ACMG/AMP guideline.

Prenatal Diagnosis Unit, University Medical Center at Ho Chi Minh City, University of Medicine and Pharmacy at Ho Chi Minh City
Classification: Pathogenic for Thanatophoric dysplasia type 1. Last evaluated: 2025-10-24. Review status: criteria provided, single submitter. Criteria: ACMG Guidelines, 2015. Collection method: provider interpretation. Allele origin: de novo. Inheritance: Autosomal dominant inheritance. Affected: yes. Observed: 2 variant alleles.
Comment: This missense change has been observed in individual(s) with thanatophoric dysplasia (PMID: 21273588, 19331127, 11851976, 9843049, 30692697, 8845844, 30712878, 25606676, 24419316, 24476948, 22045636, 11429702, 24657641, 19088846, 23200862, 17509076, 17320202, 14715624, 11526491, 26858415, 29593476, 28249712, 19789973, 9438390, 31299979). The variant has been observed in multiple (>4) similarly affected unrelated individuals, including our case (PMID: 25614871). The variant is not observed in the gnomAD v4.0.0 dataset. Experimental studies have shown that this missense change affects FGFR3 function (PMID: 19088846, 23200862, 24419316, 25606676). Invitae Evidence Modeling incorporating data from in vitro experimental studies (internal data) indicates that this missense variant is expected to disrupt FGFR3 function with a positive predictive value of 95%. In conclusion, this variant is classified as a pathogenic variant according to the ACMG/AMP 2015 guidelines, based on criteria PS1, PS2, PS3, PS4, PM2, PP2, PP3.

First Genomix Gene Laboratory, Genetic Diagnostics Department
Classification: Pathogenic for Achondroplasia; Thanatophoric dysplasia type 1. Last evaluated: 2025-09-12. Review status: criteria provided, single submitter. Criteria: ACMG Guidelines, 2015. Collection method: clinical testing. Allele origin: germline. Inheritance: Autosomal dominant inheritance. Affected: yes. Observed: 1 variant allele.
Comment: In the literature, this variant has been identified as de novo in a fetus with lethal short limb deformity, short fingers, small chest, lung dysplasia (PMID: 37880672). In addition, this variant has been identified in several patients affected with thanatophoric dysplasia type I (PMIDs: 19789973, 29593476, and 35627109).

Genomic Medicine Center of Excellence, King Faisal Specialist Hospital and Research Centre
Classification: Pathogenic for Achondroplasia. Last evaluated: 2025-09-10. Review status: criteria provided, single submitter. Criteria: ACMG Guidelines, 2015. Collection method: clinical testing. Allele origin: germline.

Labcorp Genetics (formerly Invitae), Labcorp
Classification: Pathogenic. Last evaluated: 2025-09-02. Review status: criteria provided, single submitter. Criteria: Invitae Variant Classification Sherloc (09022015). Collection method: clinical testing. Allele origin: germline.
Comment: This sequence change replaces tyrosine, which is neutral and polar, with cysteine, which is neutral and slightly polar, at codon 373 of the FGFR3 protein (p.Tyr373Cys). This variant is not present in population databases (gnomAD no frequency). This missense change has been observed in individual(s) with thanatophoric dysplasia (PMID: 8845844, 24476948, 25614871, 28249712). In at least one individual the variant was observed to be de novo. ClinVar contains an entry for this variant (Variation ID: 16342). Invitae Evidence Modeling incorporating data from in vitro experimental studies (internal data) indicates that this missense variant is expected to disrupt FGFR3 function with a positive predictive value of 95%. Experimental studies have shown that this missense change affects FGFR3 function (PMID: 19088846, 23200862, 24419316, 25606676). For these reasons, this variant has been classified as Pathogenic.